The following is an entry in ClinVar:

NM_001111.5(ADAR):c.*1790A>G

Gene: ADAR (adenosine deaminase RNA specific; minus strand). Cytogenetic location: 1q21.3.
Variant type: single nucleotide variant.
Coding change: c.*1790A>G on transcript NM_001111.5 (MANE Select); 1790 bases downstream of the stop codon, A replaced by G.
Molecular consequence: 3 prime UTR variant.
Genome position (GRCh38, 1-based): chr1:154,583,016, T>C on the plus strand (A>G on the coding strand, the complement: ADAR is on the minus strand). VCF-style: chr1-154583016-T-C. GRCh37 (hg19) VCF-style: chr1-154555492-T-C.
Other names: c.*1790A>G (LRG_1212t1, NM_001025107.3, NM_001193495.2 and 7 more transcripts).
Identifiers: ClinVar variation 292717 (VCV000292717.6), dbSNP rs1127326, ClinGen allele CA10607757.

ClinVar aggregate classification (germline): Benign. Review status: criteria provided, multiple submitters, no conflicts (2 of 4 stars). 2 submissions from 2 submitters: Benign (2). Last evaluated 2018-01-13.

Conditions:
Symmetrical dyschromatosis of extremities (DSH). Also called: Dyschromatosis symmetrica hereditaria; DYSCHROMATOSIS SYMMETRICA HEREDITARIA 1; RETICULATE ACROPIGMENTATION OF DOHI; SYMMETRIC DYSCHROMATOSIS OF THE EXTREMITIES. Identifiers: Orphanet 41, MedGen C0406775, MONDO:0007483, OMIM 127400.

Allele frequency attached by ClinVar (database versions not stated): gnomAD 0.60350 and 0.59410; 1000 Genomes Project 30x 0.58963; 1000 Genomes Project 0.59804; gnomAD exomes 0.87500; TOPMed 0.59980.
gnomAD v4.1: 91,942 of 152,182 alleles (60%); highest among the groups gnomAD compares: South Asian, 77%; 29,847 homozygotes.

Submissions (2):

Illumina Laboratory Services, Illumina
Classification: Benign for Symmetrical dyschromatosis of extremities. Last evaluated: 2018-01-13. Review status: criteria provided, single submitter. Criteria: ICSL Variant Classification Criteria 13 December 2019. Collection method: clinical testing. Allele origin: germline.
Comment: This variant was observed in the ICSL laboratory as part of a predisposition screen in an ostensibly healthy population. It had not been previously curated by ICSL or reported in the Human Gene Mutation Database (HGMD: prior to June 1st, 2018), and was therefore a candidate for classification through an automated scoring system. Utilizing variant allele frequency, disease prevalence and penetrance estimates, and inheritance mode, an automated score was calculated to assess if this variant is too frequent to cause the disease. Based on the score and internal cut-off values, a variant classified as benign is not then subjected to further curation. The score for this variant resulted in a classification of benign for this disease.

Breakthrough Genomics
Classification: Benign. Review status: criteria provided, single submitter. Criteria: ACMG Guidelines, 2015. Collection method: not provided. Allele origin: germline. Inheritance: Autosomal recessive inheritance. Affected: yes.